The following is an entry in ClinVar:

NM_018319.4(TDP1):c.208T>A (p.Ser70Thr)

Genes: TDP1 (tyrosyl-DNA phosphodiesterase 1; plus strand), LOC126862019 (CDK7 strongly-dependent group 2 enhancer GRCh37_chr14:90429220-90430419; plus strand). Cytogenetic location: 14q32.11.
Variant type: single nucleotide variant.
Coding change: c.208T>A on transcript NM_018319.4 (MANE Select); coding-DNA position 208, T replaced by A.
Protein change: p.Ser70Thr; replaces serine 70 with threonine.
Molecular consequence: missense variant.
Genome position (GRCh38, 1-based): chr14:89,963,322, T>A. VCF-style: chr14-89963322-T-A. GRCh37 (hg19) VCF-style: chr14-90429666-T-A.
Other names: p.Ser70Thr; c.208T>A, p.Ser70Thr (NM_001008744.2, NM_001330205.2); short protein forms S70T.
Identifiers: ClinVar variation 196488 (VCV000196488.14), dbSNP rs140058160, ClinGen allele CA243454.
Genomic context (GRCh38, chr14:89,963,322, plus strand): 5'-GAGGCCCAGAAAGCTGCACACAAGAGGAAAATATCACCTGTGAAATTCAGCAATACAGAT[T>A]CAGTTTTACCTCCCAAAAGGCAGAAAAGCGGTTCCCAGGAGGACCTCGGCTGGTGTCTGT-3'
Protein context (NP_060789.2, residues 60-80): ISPVKFSNTD[Ser70Thr]VLPPKRQKSG

ClinVar aggregate classification (germline): Uncertain significance. Review status: criteria provided, multiple submitters, no conflicts (2 of 4 stars). 5 submissions from 5 submitters: Uncertain significance (5). Last evaluated 2025-08-07.

Conditions:
Spinocerebellar ataxia, autosomal recessive, with axonal neuropathy 1 (SCAN1). Identifiers: Orphanet 94124, MedGen C4759870, MONDO:0011801, OMIM 607250.

Allele frequency attached by ClinVar (database versions not stated): ExAC 0.00011; gnomAD exomes 0.00011 and 0.00027; gnomAD 0.00014 and 0.00015; ESP Exome Variant Server 0.00015; TOPMed 0.00021.
gnomAD v4.1: 424 of 1,614,050 alleles (0.026%); highest among the groups gnomAD compares: Non-Finnish European, 0.034%; no homozygotes.

Submissions (5):

Mayo Clinic Laboratories, Mayo Clinic
Classification: Uncertain significance. Last evaluated: 2025-08-07. Review status: criteria provided, single submitter. Criteria: ACMG Guidelines, 2015. Collection method: clinical testing. Allele origin: germline. Observed: 2 variant alleles.
Comment: BP4_strong, PM2_moderate

Athena Diagnostics
Classification: Uncertain significance. Last evaluated: 2025-06-10. Review status: criteria provided, single submitter. Criteria: Athena Diagnostics Criteria. Collection method: clinical testing. Allele origin: unknown.
Comment: Available data are insufficient to determine the clinical significance of the variant at this time. The frequency of this variant in the general population is uninformative in assessment of its pathogenicity. Polyphen and MutationTaster predict this amino acid change may be benign.

ARUP Laboratories, Molecular Genetics and Genomics, ARUP Laboratories
Classification: Uncertain significance for Spinocerebellar ataxia, autosomal recessive, with axonal neuropathy 1. Last evaluated: 2023-10-03. Review status: criteria provided, single submitter. Criteria: ARUP Molecular Germline Variant Investigation Process 2024. Collection method: clinical testing. Allele origin: germline.
Comment: The TDP1 c.208T>A; p.Ser70Thr variant (rs140058160), to our knowledge, is not reported in the medical literature but is reported in ClinVar (Variation ID: 196488). This variant is observed in the general population with an overall allele frequency 0.01% (34/282870 alleles) in the Genome Aggregation Database. Computational analyses predict that this variant is neutral (REVEL: 0.014). Due to limited information, the clinical significance of this variant is uncertain at this time.

Illumina Laboratory Services, Illumina
Classification: Uncertain significance for Spinocerebellar ataxia, autosomal recessive, with axonal neuropathy 1. Last evaluated: 2018-01-13. Review status: criteria provided, single submitter. Criteria: ICSL Variant Classification Criteria 13 December 2019. Collection method: clinical testing. Allele origin: germline.

Eurofins Ntd Llc (ga)
Classification: Uncertain significance. Last evaluated: 2014-12-02. Review status: criteria provided, single submitter. Criteria: EGL Classification Definitions 2015. Collection method: clinical testing. Allele origin: germline. Observed: 1 variant allele, 1 heterozygote.

Literature cited by the submitters: PubMed 29641532 (cited by Athena Diagnostics).